The following is an entry in ClinVar:

ClinVar aggregate classification (germline): Uncertain significance (1 of 4 stars; one submission).

Allele frequency attached by ClinVar (database versions not stated): TOPMed 0.00001; gnomAD 0.00003; ExAC 0.00006.
gnomAD v4.1: 52 of 1,614,112 alleles (0.0032%); highest among the groups gnomAD compares: South Asian, 0.025%; 1 homozygote.

Submission:

Labcorp Genetics (formerly Invitae), Labcorp
Classification: Uncertain significance. Last evaluated: 2025-12-01. Review status: criteria provided, single submitter. Criteria: Invitae Variant Classification Sherloc (09022015). Collection method: clinical testing. Allele origin: germline.
Comment: This sequence change replaces arginine, which is basic and polar, with cysteine, which is neutral and slightly polar, at codon 2108 of the FBN3 protein (p.Arg2108Cys). This variant is present in population databases (rs753202834, gnomAD 0.02%). This variant has not been reported in the literature in individuals affected with FBN3-related conditions. ClinVar contains an entry for this variant (Variation ID: 1931129). Invitae Evidence Modeling of protein sequence and biophysical properties (such as structural, functional, and spatial information, amino acid conservation, physicochemical variation, residue mobility, and thermodynamic stability) has been performed for this missense variant. However, the output from this modeling did not meet the statistical confidence thresholds required to predict the impact of this variant on FBN3 protein function. In summary, the available evidence is currently insufficient to determine the role of this variant in disease. Therefore, it has been classified as a Variant of Uncertain Significance.

NM_032447.5(FBN3):c.6322C>T (p.Arg2108Cys)

Gene: FBN3 (fibrillin 3; minus strand). Cytogenetic location: 19p13.2.
Variant type: single nucleotide variant.
Coding change: c.6322C>T on transcript NM_032447.5 (MANE Select); coding-DNA position 6322, C replaced by T.
Protein change: p.Arg2108Cys; replaces arginine 2108 with cysteine.
Molecular consequence: missense variant.
Genome position (GRCh38, 1-based): chr19:8,089,599, G>A on the plus strand (C>T on the coding strand, the complement: FBN3 is on the minus strand). VCF-style: chr19-8089599-G-A. GRCh37 (hg19) VCF-style: chr19-8154483-G-A.
Other names: c.6322C>T, p.Arg2108Cys (NM_001321431.2); short protein forms R2108C.
Identifiers: ClinVar variation 1931129 (VCV001931129.5), dbSNP rs753202834, ClinGen allele CA9151332.